The following is an entry in ClinVar:

ClinVar aggregate classification (germline): Uncertain significance. Review status: criteria provided, multiple submitters, no conflicts (2 of 4 stars). 4 submissions from 4 submitters: Uncertain significance (4). Last evaluated 2024-05-04.

Conditions:
Hereditary cancer-predisposing syndrome. Also called: Tumor predisposition; Hereditary neoplastic syndrome; Hereditary Cancer Syndrome; Neoplastic Syndromes, Hereditary. Identifiers: Orphanet 140162, MedGen C0027672, MeSH D009386, MONDO:0015356.
Hereditary nonpolyposis colorectal neoplasms. Identifiers: MedGen C0009405, MeSH D003123.

Allele frequency attached by ClinVar (database versions not stated): gnomAD exomes below 0.00001.

Submissions (4):

Ambry Genetics
Classification: Uncertain significance for Hereditary cancer-predisposing syndrome. Last evaluated: 2024-05-04. Review status: criteria provided, single submitter. Criteria: Ambry Variant Classification Scheme 2023. Collection method: clinical testing. Allele origin: germline.
Comment: The p.M1270I variant (also known as c.3810G>A), located in coding exon 9 of the MSH6 gene, results from a G to A substitution at nucleotide position 3810. The methionine at codon 1270 is replaced by isoleucine, an amino acid with highly similar properties. This amino acid position is conserved. In addition, this alteration is predicted to be deleterious by in silico analysis. Based on the available evidence, the clinical significance of this variant remains unclear.

Color Diagnostics, LLC DBA Color Health
Classification: Uncertain significance for Hereditary cancer-predisposing syndrome. Last evaluated: 2023-04-24. Review status: criteria provided, single submitter. Criteria: ACMG Guidelines, 2015. Collection method: clinical testing. Allele origin: germline.
Comment: This missense variant replaces methionine with isoleucine at codon 1270 of the MSH6 protein. Computational prediction suggests that this variant may have deleterious impact on protein structure and function (internally defined REVEL score threshold >= 0.7, PMID: 27666373). To our knowledge, functional studies have not been reported for this variant. This variant has been reported in an individual affected with breast and/or ovarian cancer (PMID: 34359559). This variant has not been identified in the general population by the Genome Aggregation Database (gnomAD). The available evidence is insufficient to determine the role of this variant in disease conclusively. Therefore, this variant is classified as a Variant of Uncertain Significance.

GeneDx
Classification: Uncertain significance. Last evaluated: 2023-03-27. Review status: criteria provided, single submitter. Criteria: GeneDx Variant Classification Process June 2021. Collection method: clinical testing. Allele origin: germline. Affected: yes.
Comment: Not observed at significant frequency in large population cohorts (gnomAD); In silico analysis supports that this missense variant has a deleterious effect on protein structure/function; Has not been previously published as pathogenic or benign to our knowledge; This variant is associated with the following publications: (PMID: 17531815, 21120944)

Labcorp Genetics (formerly Invitae), Labcorp
Classification: Uncertain significance for Hereditary nonpolyposis colorectal neoplasms. Last evaluated: 2021-09-05. Review status: criteria provided, single submitter. Criteria: Invitae Variant Classification Sherloc (09022015). Collection method: clinical testing. Allele origin: germline.
Comment: This sequence change replaces methionine with isoleucine at codon 1270 of the MSH6 protein (p.Met1270Ile). The methionine residue is highly conserved and there is a small physicochemical difference between methionine and isoleucine. This variant is not present in population databases (ExAC no frequency). This variant has not been reported in the literature in individuals affected with MSH6-related conditions. Algorithms developed to predict the effect of missense changes on protein structure and function are either unavailable or do not agree on the potential impact of this missense change (SIFT: "Deleterious"; PolyPhen-2: "Benign"; Align-GVGD: "Class C0"). In summary, the available evidence is currently insufficient to determine the role of this variant in disease. Therefore, it has been classified as a Variant of Uncertain Significance.

Literature cited by the submitters: PubMed 34359559 (cited by Color Diagnostics, LLC DBA Color Health).

NM_000179.3(MSH6):c.3810G>A (p.Met1270Ile)

Gene: MSH6 (mutS homolog 6; plus strand). Cytogenetic location: 2p16.3.
Variant type: single nucleotide variant.
Coding change: c.3810G>A on transcript NM_000179.3 (MANE Select); coding-DNA position 3810, G replaced by A.
Protein change: p.Met1270Ile; replaces methionine 1270 with isoleucine.
Molecular consequence: missense variant.
Genome position (GRCh38, 1-based): chr2:47,806,460, G>A. VCF-style: chr2-47806460-G-A. GRCh37 (hg19) VCF-style: chr2-48033599-G-A.
Other names: c.3420G>A, p.Met1140Ile (NM_001281492.2); c.2904G>A, p.Met968Ile (NM_001281493.2, NM_001281494.2); short protein forms M1270I, M1140I, M968I.
Identifiers: ClinVar variation 575596 (VCV000575596.10), dbSNP rs1558393029, ClinGen allele CA346761226.